The following is an entry in ClinVar:

ClinVar aggregate classification (germline): Likely pathogenic (1 of 4 stars; one submission).

Submission:

Labcorp Genetics (formerly Invitae), Labcorp
Classification: Likely pathogenic. Last evaluated: 2024-02-14. Review status: criteria provided, single submitter. Criteria: Invitae Variant Classification Sherloc (09022015). Collection method: clinical testing. Allele origin: germline.
Comment: This sequence change replaces valine, which is neutral and non-polar, with alanine, which is neutral and non-polar, at codon 242 of the BEST1 protein (p.Val242Ala). This variant is not present in population databases (gnomAD no frequency). This variant has not been reported in the literature in individuals affected with BEST1-related conditions. Advanced modeling of protein sequence and biophysical properties (such as structural, functional, and spatial information, amino acid conservation, physicochemical variation, residue mobility, and thermodynamic stability) performed at Invitae indicates that this missense variant is expected to disrupt BEST1 protein function with a positive predictive value of 95%. This variant disrupts the p.Val242 amino acid residue in BEST1. Other variant(s) that disrupt this residue have been determined to be pathogenic (PMID: 18766995, 26201355). This suggests that this residue is clinically significant, and that variants that disrupt this residue are likely to be disease-causing. In summary, the currently available evidence indicates that the variant is pathogenic, but additional data are needed to prove that conclusively. Therefore, this variant has been classified as Likely Pathogenic.

Literature cited by the submitters: PubMed 18766995; PubMed 26201355.

NM_004183.4(BEST1):c.725T>C (p.Val242Ala)

Gene: BEST1 (bestrophin 1; plus strand). Cytogenetic location: 11q12.3.
Variant type: single nucleotide variant.
Coding change: c.725T>C on transcript NM_004183.4 (MANE Select); coding-DNA position 725, T replaced by C.
Protein change: p.Val242Ala; replaces valine 242 with alanine.
Molecular consequence: missense variant. On other transcripts: non-coding transcript variant (1).
Genome position (GRCh38, 1-based): chr11:61,958,156, T>C. VCF-style: chr11-61958156-T-C. GRCh37 (hg19) VCF-style: chr11-61725628-T-C.
Other names: c.545T>C, p.Val182Ala (NM_001139443.3, NM_001300786.2, NM_001300787.2); c.407T>C, p.Val136Ala (NM_001363591.3); c.725T>C, p.Val242Ala (NM_001363592.2); c.-451T>C (NM_001363593.3); short protein forms V242A, V136A, V182A.
Identifiers: ClinVar variation 3634176 (VCV003634176.2).